The following is an entry in ClinVar:

NM_001291303.3(FAT4):c.11492G>C (p.Ser3831Thr)

Gene: FAT4 (FAT atypical cadherin 4; plus strand). Cytogenetic location: 4q28.1.
Variant type: single nucleotide variant.
Coding change: c.11492G>C on transcript NM_001291303.3 (MANE Select); coding-DNA position 11492, G replaced by C.
Protein change: p.Ser3831Thr; replaces serine 3831 with threonine.
Molecular consequence: missense variant.
Genome position (GRCh38, 1-based): chr4:125,452,502, G>C. VCF-style: chr4-125452502-G-C. GRCh37 (hg19) VCF-style: chr4-126373657-G-C.
Other names: c.11492G>C, p.Ser3831Thr (NM_001291285.3); c.11486G>C, p.Ser3829Thr (NM_024582.6); c.11486G>C (NM_024582.5, NM_024582.4); short protein forms S3831T, S3829T.
Identifiers: ClinVar variation 2179166 (VCV002179166.3), dbSNP rs1414624190, ClinGen allele CA358162899.

ClinVar aggregate classification (germline): Uncertain significance. Review status: criteria provided, multiple submitters, no conflicts (2 of 4 stars). 3 submissions from 3 submitters: Uncertain significance (3). Last evaluated 2025-08-03.

Conditions:
Van Maldergem syndrome 2 (VMLDS2). Identifiers: Orphanet 314679, MedGen C3809875, MONDO:0014242, OMIM 615546.
Hennekam lymphangiectasia-lymphedema syndrome 2 (HKLLS2). Identifiers: Orphanet 2136, MedGen C4014939, MONDO:0014454, OMIM 616006.
Inborn genetic diseases. Identifiers: MedGen C0950123, MeSH D030342.

Allele frequency attached by ClinVar (database versions not stated): gnomAD 0.00001; gnomAD exomes 0.00001.
gnomAD v4.1: 11 of 1,613,882 alleles (0.00068%); highest among the groups gnomAD compares: Non-Finnish European, 0.00093%; no homozygotes.

Submissions (3):

Ambry Genetics
Classification: Uncertain significance for Inborn genetic diseases. Last evaluated: 2025-08-03. Review status: criteria provided, single submitter. Criteria: Ambry Variant Classification Scheme 2023. Collection method: clinical testing. Allele origin: germline.

Fulgent Genetics
Classification: Uncertain significance for Van Maldergem syndrome 2; Hennekam lymphangiectasia-lymphedema syndrome 2. Last evaluated: 2024-01-25. Review status: criteria provided, single submitter. Criteria: ACMG Guidelines, 2015. Collection method: clinical testing. Allele origin: germline.

Labcorp Genetics (formerly Invitae), Labcorp
Classification: Uncertain significance. Last evaluated: 2022-07-04. Review status: criteria provided, single submitter. Criteria: Invitae Variant Classification Sherloc (09022015). Collection method: clinical testing. Allele origin: germline.
Comment: This sequence change replaces serine, which is neutral and polar, with threonine, which is neutral and polar, at codon 3829 of the FAT4 protein (p.Ser3829Thr). This variant is not present in population databases (gnomAD no frequency). This variant has not been reported in the literature in individuals affected with FAT4-related conditions. Advanced modeling of protein sequence and biophysical properties (such as structural, functional, and spatial information, amino acid conservation, physicochemical variation, residue mobility, and thermodynamic stability) performed at Invitae indicates that this missense variant is not expected to disrupt FAT4 protein function. In summary, the available evidence is currently insufficient to determine the role of this variant in disease. Therefore, it has been classified as a Variant of Uncertain Significance.